The following is an entry in ClinVar:

NM_001928.4(CFD):c.693C>A (p.Asn231Lys)

Gene: CFD (complement factor D; plus strand). Cytogenetic location: 19p13.3.
Variant type: single nucleotide variant.
Coding change: c.693C>A on transcript NM_001928.4 (MANE Select); coding-DNA position 693, C replaced by A.
Protein change: p.Asn231Lys; replaces asparagine 231 with lysine.
Molecular consequence: missense variant.
Genome position (GRCh38, 1-based): chr19:863,169, C>A. VCF-style: chr19-863169-C-A. GRCh37 (hg19) VCF-style: chr19-863169-C-A.
Other names: c.714C>A, p.Asn238Lys (NM_001317335.2); short protein forms N231K, N238K.
Identifiers: ClinVar variation 2071713 (VCV002071713.4), dbSNP rs1568311333, ClinGen allele CA402923801.
Genomic context (GRCh38, chr19:863,169, plus strand): 5'-GCTGGTGTGCGGGGGCGTGCTCGAGGGCGTGGTCACCTCGGGCTCGCGCGTTTGCGGCAA[C>A]CGCAAGAAGCCCGGGATCTACACCCGCGTGGCGAGCTATGCGGCCTGGATCGACAGCGTC-3'
Protein context (NP_001919.2, residues 221-241): VVTSGSRVCG[Asn231Lys]RKKPGIYTRV

ClinVar aggregate classification (germline): Uncertain significance (1 of 4 stars; one submission).

Submission:

Labcorp Genetics (formerly Invitae), Labcorp
Classification: Uncertain significance. Last evaluated: 2022-01-03. Review status: criteria provided, single submitter. Criteria: Invitae Variant Classification Sherloc (09022015). Collection method: clinical testing. Allele origin: germline.
Comment: Algorithms developed to predict the effect of missense changes on protein structure and function are either unavailable or do not agree on the potential impact of this missense change (SIFT: "Not Available"; PolyPhen-2: "Possibly Damaging"; Align-GVGD: "Not Available"). In summary, the available evidence is currently insufficient to determine the role of this variant in disease. Therefore, it has been classified as a Variant of Uncertain Significance. This variant has not been reported in the literature in individuals affected with CFD-related conditions. This variant is not present in population databases (gnomAD no frequency). This sequence change replaces asparagine, which is neutral and polar, with lysine, which is basic and polar, at codon 231 of the CFD protein (p.Asn231Lys).